The following is an entry in ClinVar:

NM_000179.3(MSH6):c.2687A>G (p.Lys896Arg)

Gene: MSH6 (mutS homolog 6; plus strand). Cytogenetic location: 2p16.3.
Variant type: single nucleotide variant.
Coding change: c.2687A>G on transcript NM_000179.3 (MANE Select); coding-DNA position 2687, A replaced by G.
Protein change: p.Lys896Arg; replaces lysine 896 with arginine.
Molecular consequence: missense variant.
Genome position (GRCh38, 1-based): chr2:47,800,670, A>G. VCF-style: chr2-47800670-A-G. GRCh37 (hg19) VCF-style: chr2-48027809-A-G.
Other names: c.2297A>G, p.Lys766Arg (NM_001281492.2); c.1781A>G, p.Lys594Arg (NM_001281493.2, NM_001281494.2, NM_001406811.1 and 6 more transcripts); c.2783A>G, p.Lys928Arg (NM_001406795.1, NM_001406802.1); c.2687A>G, p.Lys896Arg (NM_001406796.1, NM_001406798.1, NM_001406800.1 and 2 more transcripts); c.2390A>G, p.Lys797Arg (NM_001406797.1, NM_001406801.1, NM_001406805.1 and 10 more transcripts); c.2162A>G, p.Lys721Arg (NM_001406799.1, NM_001406806.1, NM_001406807.1); c.2609A>G, p.Lys870Arg (NM_001406804.1); c.2693A>G, p.Lys898Arg (NM_001406813.1); and 2 more; short protein forms K870R, K896R, K928R, K211R, K594R, K766R, K721R, K797R.
Identifiers: ClinVar variation 1794741 (VCV001794741.6), dbSNP rs876658369, ClinGen allele CA346755293.

ClinVar aggregate classification (germline): Uncertain significance. Review status: criteria provided, multiple submitters, no conflicts (2 of 4 stars). 3 submissions from 3 submitters: Uncertain significance (3). Last evaluated 2024-04-30.

Conditions:
Hereditary cancer-predisposing syndrome. Also called: Tumor predisposition; Hereditary Cancer Syndrome; Neoplastic Syndromes, Hereditary; Hereditary neoplastic syndrome. Identifiers: Orphanet 140162, MedGen C0027672, MeSH D009386, MONDO:0015356.
Hereditary nonpolyposis colorectal neoplasms. Identifiers: MedGen C0009405, MeSH D003123.

gnomAD v4.1: 4 of 1,614,202 alleles (0.00025%); highest among the groups gnomAD compares: Non-Finnish European, 0.00034%; no homozygotes.

Submissions (3):

Color Diagnostics, LLC DBA Color Health
Classification: Uncertain significance for Hereditary cancer-predisposing syndrome. Last evaluated: 2024-04-30. Review status: criteria provided, single submitter. Criteria: ACMG Guidelines, 2015. Collection method: clinical testing. Allele origin: germline.
Comment: This missense variant replaces lysine with arginine at codon 896 of the MSH6 protein. Computational prediction suggests that this variant may not impact protein structure and function (internally defined REVEL score threshold <= 0.5, PMID: 27666373). To our knowledge, functional studies have not been reported for this variant. This variant has not been reported in individuals affected with MSH6-related disorders in the literature. This variant has not been identified in the general population by the Genome Aggregation Database (gnomAD). The available evidence is insufficient to determine the role of this variant in disease conclusively. Therefore, this variant is classified as a Variant of Uncertain Significance.

Labcorp Genetics (formerly Invitae), Labcorp
Classification: Uncertain significance for Hereditary nonpolyposis colorectal neoplasms. Last evaluated: 2023-05-08. Review status: criteria provided, single submitter. Criteria: Invitae Variant Classification Sherloc (09022015). Collection method: clinical testing. Allele origin: germline.
Comment: This sequence change replaces lysine, which is basic and polar, with arginine, which is basic and polar, at codon 896 of the MSH6 protein (p.Lys896Arg). This variant is not present in population databases (gnomAD no frequency). This variant has not been reported in the literature in individuals affected with MSH6-related conditions. ClinVar contains an entry for this variant (Variation ID: 1794741). Advanced modeling of protein sequence and biophysical properties (such as structural, functional, and spatial information, amino acid conservation, physicochemical variation, residue mobility, and thermodynamic stability) performed at Invitae indicates that this missense variant is not expected to disrupt MSH6 protein function. In summary, the available evidence is currently insufficient to determine the role of this variant in disease. Therefore, it has been classified as a Variant of Uncertain Significance.

Ambry Genetics
Classification: Uncertain significance for Hereditary cancer-predisposing syndrome. Last evaluated: 2022-08-04. Review status: criteria provided, single submitter. Criteria: Ambry Variant Classification Scheme 2023. Collection method: clinical testing. Allele origin: germline.
Comment: The p.K896R variant (also known as c.2687A>G), located in coding exon 4 of the MSH6 gene, results from an A to G substitution at nucleotide position 2687. The lysine at codon 896 is replaced by arginine, an amino acid with highly similar properties. This amino acid position is conserved. In addition, this alteration is predicted to be tolerated by in silico analysis. Since supporting evidence is limited at this time, the clinical significance of this alteration remains unclear.